The following is an entry in ClinVar:

NM_206933.4(USH2A):c.4130C>T (p.Ser1377Phe)

Genes: USH2A (usherin; minus strand), USH2A-AS1 (USH2A antisense RNA 1; plus strand). Cytogenetic location: 1q41.
Variant type: single nucleotide variant.
Coding change: c.4130C>T on transcript NM_206933.4 (MANE Select); coding-DNA position 4130, C replaced by T.
Protein change: p.Ser1377Phe; replaces serine 1377 with phenylalanine.
Molecular consequence: missense variant.
Genome position (GRCh38, 1-based): chr1:216,196,674, G>A on the plus strand (C>T on the coding strand, the complement: USH2A is on the minus strand). VCF-style: chr1-216196674-G-A. GRCh37 (hg19) VCF-style: chr1-216370016-G-A.
Other names: c.4130C>T, p.Ser1377Phe (NM_007123.6); short protein forms S1377F.
Identifiers: ClinVar variation 3633762 (VCV003633762.2).

ClinVar aggregate classification (germline): Uncertain significance (1 of 4 stars; one submission).

Submission:

Labcorp Genetics (formerly Invitae), Labcorp
Classification: Uncertain significance. Last evaluated: 2024-04-03. Review status: criteria provided, single submitter. Criteria: Invitae Variant Classification Sherloc (09022015). Collection method: clinical testing. Allele origin: germline.
Comment: This sequence change replaces serine, which is neutral and polar, with phenylalanine, which is neutral and non-polar, at codon 1377 of the USH2A protein (p.Ser1377Phe). This variant is not present in population databases (gnomAD no frequency). This variant has not been reported in the literature in individuals affected with USH2A-related conditions. Advanced modeling of protein sequence and biophysical properties (such as structural, functional, and spatial information, amino acid conservation, physicochemical variation, residue mobility, and thermodynamic stability) performed at Invitae indicates that this missense variant is expected to disrupt USH2A protein function with a positive predictive value of 80%. In summary, the available evidence is currently insufficient to determine the role of this variant in disease. Therefore, it has been classified as a Variant of Uncertain Significance.